The following is an entry in ClinVar:

NM_001206927.2(DNAH8):c.10525-15TCT[2]

Genes: DNAH8-AS1 (DNAH8 antisense RNA 1; minus strand), DNAH8 (dynein axonemal heavy chain 8; plus strand). Cytogenetic location: 6p21.2.
Variant type: Microsatellite.
Coding change: c.10525-15TCT[2] on transcript NM_001206927.2 (MANE Select); two copies in a row of the 3-base unit TCT starting at c.10525-15.
Molecular consequence: intron variant.
Genome position: GRCh38 VCF-style: chr6-38921353-GTCT-G. GRCh37 (hg19) VCF-style: chr6-38889129-GTCT-G.
Other names: c.10525-8_10525-6delCTT (NM_001206927.1); c.9874-15TCT[2] (NM_001371.4).
Identifiers: ClinVar variation 1590920 (VCV001590920.10), dbSNP rs748043587, ClinGen allele CA3790747.

ClinVar aggregate classification (germline): Likely benign. Review status: criteria provided, single submitter (1 of 4 stars). 2 submissions from 2 submitters: Likely benign (1). 1 of the submissions does not count toward it. Last evaluated 2025-12-10.

Conditions:
DNAH8-related disorder. Also called: DNAH8-related condition.
Primary ciliary dyskinesia. Also called: Ciliary dyskinesia. Identifiers: Orphanet 244, MedGen C0008780, MONDO:0016575, HP:0012265.

Submissions (2):

Labcorp Genetics (formerly Invitae), Labcorp
Classification: Likely benign for Primary ciliary dyskinesia. Last evaluated: 2025-12-10. Review status: criteria provided, single submitter. Criteria: Invitae Variant Classification Sherloc (09022015). Collection method: clinical testing. Allele origin: germline.

PreventionGenetics, part of Exact Sciences
Classification: Likely benign for DNAH8-related condition. Last evaluated: 2019-07-04. Review status: no assertion criteria provided. Collection method: clinical testing. Allele origin: germline. Not counted in ClinVar's aggregate classification.
Comment: This variant is classified as likely benign based on ACMG/AMP sequence variant interpretation guidelines (Richards et al. 2015 PMID: 25741868, with internal and published modifications).